The following is an entry in ClinVar:

ClinVar aggregate classification (germline): Benign. Review status: criteria provided, multiple submitters, no conflicts (2 of 4 stars). 9 submissions from 9 submitters: Benign (7). 2 of the submissions do not count toward it. Last evaluated 2026-02-01.

Conditions:
SYNE2-related disorder. Also called: SYNE2-related condition.
Emery-Dreifuss muscular dystrophy 5, autosomal dominant (EDMD5). Also called: EMERY-DREIFUSS MUSCULAR DYSTROPHY 5. Identifiers: Orphanet 261, MedGen C2751805, MONDO:0013072, OMIM 612999.

Allele frequency attached by ClinVar (database versions not stated): 1000 Genomes Project 0.00739; 1000 Genomes Project 30x 0.00812; TOPMed 0.01775; ESP Exome Variant Server 0.01976; gnomAD exomes 0.02147 and 0.02457; gnomAD 0.02240 and 0.02317; ExAC 0.03231.
gnomAD v4.1: 38,628 of 1,596,276 alleles (2.4%); highest among the groups gnomAD compares: Non-Finnish European, 2.7%; 591 homozygotes.

Submissions (9):

Labcorp Genetics (formerly Invitae), Labcorp
Classification: Benign for Emery-Dreifuss muscular dystrophy 5, autosomal dominant. Last evaluated: 2026-02-01. Review status: criteria provided, single submitter. Criteria: Invitae Variant Classification Sherloc (09022015). Collection method: clinical testing. Allele origin: germline.

GeneDx
Classification: Benign. Last evaluated: 2018-07-14. Review status: criteria provided, single submitter. Criteria: GeneDx Variant Classification Process June 2021. Collection method: clinical testing. Allele origin: germline. Affected: yes.

Illumina Laboratory Services, Illumina
Classification: Benign for Emery-Dreifuss muscular dystrophy 5, autosomal dominant. Last evaluated: 2018-01-12. Review status: criteria provided, single submitter. Criteria: ICSL Variant Classification Criteria 13 December 2019. Collection method: clinical testing. Allele origin: germline.
Comment: This variant was observed in the ICSL laboratory as part of a predisposition screen in an ostensibly healthy population. It had not been previously curated by ICSL or reported in the Human Gene Mutation Database (HGMD: prior to June 1st, 2018), and was therefore a candidate for classification through an automated scoring system. Utilizing variant allele frequency, disease prevalence and penetrance estimates, and inheritance mode, an automated score was calculated to assess if this variant is too frequent to cause the disease. Based on the score and internal cut-off values, a variant classified as benign is not then subjected to further curation. The score for this variant resulted in a classification of benign for this disease.

Eurofins Ntd Llc (ga)
Classification: Benign. Last evaluated: 2014-11-14. Review status: criteria provided, single submitter. Criteria: EGL Classification Definitions 2015. Collection method: clinical testing. Allele origin: germline. Observed: 1 variant allele, 1 heterozygote.

Genome Diagnostics Laboratory, University Medical Center Utrecht
Classification: Benign for Emery-Dreifuss muscular dystrophy 5, autosomal dominant. Last evaluated: 2014-10-09. Review status: criteria provided, single submitter. Criteria: ACGS Guidelines, 2013. Collection method: clinical testing. Allele origin: germline. Affected: yes. Study: VKGL Data-share Consensus.

Genetic Services Laboratory, University of Chicago
Classification: Benign for AllHighlyPenetrant. Last evaluated: 2013-08-16. Review status: criteria provided, single submitter. Criteria: ACMG Guidelines, 2007. Collection method: clinical testing. Allele origin: germline. Inheritance: Autosomal dominant inheritance.

Breakthrough Genomics
Classification: Benign. Review status: criteria provided, single submitter. Criteria: ACMG Guidelines, 2015. Collection method: not provided. Allele origin: germline. Inheritance: Autosomal dominant inheritance. Affected: yes.

PreventionGenetics, part of Exact Sciences
Classification: Benign for SYNE2-related condition. Last evaluated: 2019-06-26. Review status: no assertion criteria provided. Collection method: clinical testing. Allele origin: germline. Not counted in ClinVar's aggregate classification.
Comment: This variant is classified as benign based on ACMG/AMP sequence variant interpretation guidelines (Richards et al. 2015 PMID: 25741868, with internal and published modifications).

Clinical Genetics, Academic Medical Center
Classification: Benign. Review status: no assertion criteria provided. Collection method: clinical testing. Allele origin: germline. Affected: yes. Study: VKGL Data-share Consensus. Not counted in ClinVar's aggregate classification.

NM_182914.3(SYNE2):c.12840+8T>C

Gene: SYNE2 (spectrin repeat containing nuclear envelope protein 2; plus strand). Cytogenetic location: 14q23.2.
Variant type: single nucleotide variant.
Coding change: c.12840+8T>C on transcript NM_182914.3 (MANE Select); 8 bases into the intron after coding-DNA position 12840, T replaced by C.
Molecular consequence: intron variant.
Genome position (GRCh38, 1-based): chr14:64,113,579, T>C. VCF-style: chr14-64113579-T-C. GRCh37 (hg19) VCF-style: chr14-64580297-T-C.
Other names: c.12840+8T>C (NM_015180.6).
Identifiers: ClinVar variation 130468 (VCV000130468.29), dbSNP rs145218296, ClinGen allele CA155526.